The following is an entry in ClinVar:

NM_018010.4(IFT57):c.850-3T>C

Gene: IFT57 (intraflagellar transport 57; minus strand). Cytogenetic location: 3q13.12.
Variant type: single nucleotide variant.
Coding change: c.850-3T>C on transcript NM_018010.4 (MANE Select); 3 bases into the intron before coding-DNA position 850, T replaced by C.
Molecular consequence: intron variant.
Genome position (GRCh38, 1-based): chr3:108,166,988, A>G on the plus strand (T>C on the coding strand, the complement: IFT57 is on the minus strand). VCF-style: chr3-108166988-A-G. GRCh37 (hg19) VCF-style: chr3-107885835-A-G.
Identifiers: ClinVar variation 2870605 (VCV002870605.3), dbSNP rs2472457748, ClinGen allele CA2666858299.

ClinVar aggregate classification (germline): Uncertain significance (1 of 4 stars; one submission).

Allele frequency attached by ClinVar (database versions not stated): gnomAD exomes below 0.00001.
gnomAD v4.1: 1 of 1,604,102 alleles (0.000062%); highest among the groups gnomAD compares: Admixed American, 0.0017%; no homozygotes.

Submission:

Labcorp Genetics (formerly Invitae), Labcorp
Classification: Uncertain significance. Last evaluated: 2022-10-28. Review status: criteria provided, single submitter. Criteria: Invitae Variant Classification Sherloc (09022015). Collection method: clinical testing. Allele origin: germline.
Comment: In summary, the available evidence is currently insufficient to determine the role of this variant in disease. Therefore, it has been classified as a Variant of Uncertain Significance. Variants that disrupt the consensus splice site are a relatively common cause of aberrant splicing (PMID: 17576681, 9536098). Algorithms developed to predict the effect of sequence changes on RNA splicing suggest that this variant is not likely to affect RNA splicing. This variant has not been reported in the literature in individuals affected with IFT57-related conditions. This variant is not present in population databases (gnomAD no frequency). This sequence change falls in intron 7 of the IFT57 gene. It does not directly change the encoded amino acid sequence of the IFT57 protein. It affects a nucleotide within the consensus splice site.

Literature cited by the submitters: PubMed 17576681; PubMed 9536098.